The following is an entry in ClinVar:

ClinVar aggregate classification (germline): Benign/Likely benign. Review status: criteria provided, multiple submitters, no conflicts (2 of 4 stars). 7 submissions from 7 submitters: Benign (1); Likely benign (6). Last evaluated 2025-09-22.

Conditions:
Hereditary cancer-predisposing syndrome. Also called: Hereditary neoplastic syndrome; Neoplastic Syndromes, Hereditary; Tumor predisposition; Hereditary Cancer Syndrome. Identifiers: Orphanet 140162, MedGen C0027672, MeSH D009386, MONDO:0015356.
Hereditary nonpolyposis colorectal neoplasms. Identifiers: MedGen C0009405, MeSH D003123.
Lynch syndrome. Identifiers: Orphanet 144, MedGen C4552100, MONDO:0005835. Disease mechanism: loss of function.
Lynch syndrome 5 (LYNCH5). Also called: Colorectal cancer, hereditary nonpolyposis, type 5; Hereditary non-polyposis colorectal cancer, type 5. Identifiers: Orphanet 144, MedGen C1833477, MONDO:0013710, OMIM 614350. Disease mechanism: loss of function.

Allele frequency attached by ClinVar (database versions not stated): gnomAD exomes below 0.00001; ExAC 0.00001; gnomAD 0.00001; TOPMed 0.00001.
gnomAD v4.1: 9 of 1,613,370 alleles (0.00056%); highest among the groups gnomAD compares: South Asian, 0.0022%; no homozygotes.

Submissions (7):

Labcorp Genetics (formerly Invitae), Labcorp
Classification: Likely benign for Hereditary nonpolyposis colorectal neoplasms. Last evaluated: 2025-09-22. Review status: criteria provided, single submitter. Criteria: Invitae Variant Classification Sherloc (09022015). Collection method: clinical testing. Allele origin: germline.

Quest Diagnostics Nichols Institute San Juan Capistrano
Classification: Likely benign. Last evaluated: 2025-01-14. Review status: criteria provided, single submitter. Criteria: Quest Diagnostics criteria. Collection method: clinical testing. Allele origin: unknown.

Myriad Genetics, Inc.
Classification: Benign for Lynch syndrome 5. Last evaluated: 2024-12-31. Review status: criteria provided, single submitter. Criteria: Myriad Autosomal Dominant, Autosomal Recessive and X-Linked Classification Criteria (2023). Collection method: clinical testing. Allele origin: unknown.
Comment: This variant is considered benign. This variant is a silent/synonymous amino acid change and it is not expected to impact splicing.

All of Us Research Program, National Institutes of Health
Classification: Likely benign for Lynch syndrome. Last evaluated: 2024-05-14. Review status: criteria provided, single submitter. Criteria: ACMG Guidelines, 2015. Collection method: clinical testing. Allele origin: germline. Inheritance: Autosomal dominant inheritance. Observed: 3 variant alleles, 3 heterozygotes.
Comment: This study involves interpretation of variants in research participants for the purpose of population health screening. Participant phenotype was not available at the time of variant classification. Additional details can be found in publication PMID: 35346344, PMCID: PMC8962531

Color Diagnostics, LLC DBA Color Health
Classification: Likely benign for Hereditary cancer-predisposing syndrome. Last evaluated: 2021-03-01. Review status: criteria provided, single submitter. Criteria: ACMG Guidelines, 2015. Collection method: clinical testing. Allele origin: germline.

GeneDx
Classification: Likely benign. Last evaluated: 2018-05-09. Review status: criteria provided, single submitter. Criteria: GeneDx Variant Classification Process June 2021. Collection method: clinical testing. Allele origin: germline. Affected: yes.

Ambry Genetics
Classification: Likely benign for Hereditary cancer-predisposing syndrome. Last evaluated: 2017-01-26. Review status: criteria provided, single submitter. Criteria: Ambry Variant Classification Scheme 2023. Collection method: clinical testing. Allele origin: germline.

NM_000179.3(MSH6):c.2547A>G (p.Thr849=)

Gene: MSH6 (mutS homolog 6; plus strand). Cytogenetic location: 2p16.3.
Variant type: single nucleotide variant.
Coding change: c.2547A>G on transcript NM_000179.3 (MANE Select); coding-DNA position 2547, A replaced by G.
Protein change: p.Thr849=; no amino-acid change (threonine 849 retained).
Molecular consequence: synonymous variant.
Genome position (GRCh38, 1-based): chr2:47,800,530, A>G. VCF-style: chr2-47800530-A-G. GRCh37 (hg19) VCF-style: chr2-48027669-A-G.
Other names: c.2157A>G, p.Thr719= (NM_001281492.2); c.1641A>G, p.Thr547= (NM_001281493.2, NM_001281494.2).
Identifiers: ClinVar variation 215645 (VCV000215645.24), dbSNP rs769018957, ClinGen allele CA069164.